The following is an entry in ClinVar:

NM_000875.5(IGF1R):c.1764G>T (p.Met588Ile)

Gene: IGF1R (insulin like growth factor 1 receptor; plus strand). Cytogenetic location: 15q26.3.
Variant type: single nucleotide variant.
Coding change: c.1764G>T on transcript NM_000875.5 (MANE Select); coding-DNA position 1764, G replaced by T.
Protein change: p.Met588Ile; replaces methionine 588 with isoleucine.
Molecular consequence: missense variant.
Genome position (GRCh38, 1-based): chr15:98,913,218, G>T. VCF-style: chr15-98913218-G-T. GRCh37 (hg19) VCF-style: chr15-99456447-G-T.
Other names: c.1764G>T, p.Met588Ile (NM_001291858.2); short protein forms M588I.
Identifiers: ClinVar variation 1719858 (VCV001719858.5), dbSNP rs2151677223, ClinGen allele CA393679161.
Genomic context (GRCh38, chr15:98,913,218, plus strand): 5'-ACATGGGCTGAAGCCCTGGACTCAGTACGCCGTTTACGTCAAGGCTGTGACCCTCACCAT[G>T]GTGGAGAACGACCATATCCGTGGGGCCAAGAGTGAGATCTTGTACATTCGCACCAATGCT-3'
Protein context (NP_000866.1, residues 578-598): AVYVKAVTLT[Met588Ile]VENDHIRGAK

ClinVar aggregate classification (germline): Uncertain significance (1 of 4 stars; one submission).

Submission:

Labcorp Genetics (formerly Invitae), Labcorp
Classification: Uncertain significance. Last evaluated: 2024-09-06. Review status: criteria provided, single submitter. Criteria: Invitae Variant Classification Sherloc (09022015). Collection method: clinical testing. Allele origin: germline.
Comment: This sequence change replaces methionine, which is neutral and non-polar, with isoleucine, which is neutral and non-polar, at codon 588 of the IGF1R protein (p.Met588Ile). This variant is not present in population databases (gnomAD no frequency). This variant has not been reported in the literature in individuals affected with IGF1R-related conditions. ClinVar contains an entry for this variant (Variation ID: 1719858). Invitae Evidence Modeling of protein sequence and biophysical properties (such as structural, functional, and spatial information, amino acid conservation, physicochemical variation, residue mobility, and thermodynamic stability) indicates that this missense variant is not expected to disrupt IGF1R protein function with a negative predictive value of 80%. In summary, the available evidence is currently insufficient to determine the role of this variant in disease. Therefore, it has been classified as a Variant of Uncertain Significance.